The following is an entry in ClinVar:

ClinVar aggregate classification (germline): Uncertain significance. Review status: criteria provided, multiple submitters, no conflicts (2 of 4 stars). 2 submissions from 2 submitters: Uncertain significance (2). Last evaluated 2025-12-10.

Conditions:
Hereditary cancer-predisposing syndrome. Also called: Tumor predisposition; Hereditary neoplastic syndrome; Hereditary Cancer Syndrome; Neoplastic Syndromes, Hereditary. Identifiers: Orphanet 140162, MedGen C0027672, MeSH D009386, MONDO:0015356.
EGFR-related lung cancer (EGFR). Identifiers: MedGen CN130014.

Allele frequency attached by ClinVar (database versions not stated): TOPMed 0.00003; gnomAD 0.00007.
gnomAD v4.1: 19 of 1,614,092 alleles (0.0012%); highest among the groups gnomAD compares: African/African-American, 0.021%; no homozygotes.

Submissions (2):

Labcorp Genetics (formerly Invitae), Labcorp
Classification: Uncertain significance for EGFR-related lung cancer. Last evaluated: 2025-12-10. Review status: criteria provided, single submitter. Criteria: Invitae Variant Classification Sherloc (09022015). Collection method: clinical testing. Allele origin: germline.
Comment: This sequence change replaces aspartic acid, which is acidic and polar, with glycine, which is neutral and non-polar, at codon 1051 of the EGFR protein (p.Asp1051Gly). This variant is present in population databases (rs755574890, gnomAD 0.02%). This variant has not been reported in the literature in individuals affected with EGFR-related conditions. ClinVar contains an entry for this variant (Variation ID: 1052140). An algorithm developed to predict the effect of missense changes on protein structure and function (PolyPhen-2) suggests that this variant is likely to be tolerated. In summary, the available evidence is currently insufficient to determine the role of this variant in disease. Therefore, it has been classified as a Variant of Uncertain Significance.

Ambry Genetics
Classification: Uncertain significance for Hereditary cancer-predisposing syndrome. Last evaluated: 2025-01-27. Review status: criteria provided, single submitter. Criteria: Ambry Variant Classification Scheme 2023. Collection method: clinical testing. Allele origin: germline.
Comment: The p.D1051G variant (also known as c.3152A>G), located in coding exon 26 of the EGFR gene, results from an A to G substitution at nucleotide position 3152. The aspartic acid at codon 1051 is replaced by glycine, an amino acid with similar properties. This amino acid position is not well conserved in available vertebrate species. In addition, this alteration is predicted to be tolerated by in silico analysis. Based on the available evidence, the clinical significance of this variant remains unclear.

NM_005228.5(EGFR):c.3152A>G (p.Asp1051Gly)

Gene: EGFR (epidermal growth factor receptor; plus strand). Cytogenetic location: 7p11.2.
Variant type: single nucleotide variant.
Coding change: c.3152A>G on transcript NM_005228.5 (MANE Select); coding-DNA position 3152, A replaced by G.
Protein change: p.Asp1051Gly; replaces aspartic acid 1051 with glycine.
Molecular consequence: missense variant.
Genome position (GRCh38, 1-based): chr7:55,201,772, A>G. VCF-style: chr7-55201772-A-G. GRCh37 (hg19) VCF-style: chr7-55269465-A-G.
Other names: c.3017A>G, p.Asp1006Gly (NM_001346897.2, NM_001346899.2); c.3152A>G, p.Asp1051Gly (NM_001346898.2); c.2993A>G, p.Asp998Gly (NM_001346900.2); c.2351A>G, p.Asp784Gly (NM_001346941.2); c.3152A>G (NM_005228.3); short protein forms D1006G, D1051G, D784G, D998G.
Identifiers: ClinVar variation 1052140 (VCV001052140.8), dbSNP rs755574890, ClinGen allele CA4266287.
Genomic context (GRCh38, chr7:55,201,772, plus strand): 5'-CAACTTCTCTGTTTCTTTTTCAGAGTGCAACCAGCAACAATTCCACCGTGGCTTGCATTG[A>G]TAGAAATGGGGTATGTATGAACACCTTATAAGCCAGAATTTACAGCTCTCCACTATGGCT-3'
Protein context (NP_005219.2, residues 1041-1061): TSNNSTVACI[Asp1051Gly]RNGLQSCPIK